The following is an entry in ClinVar:

ClinVar aggregate classification (germline): Uncertain significance. Review status: criteria provided, multiple submitters, no conflicts (2 of 4 stars). 2 submissions from 2 submitters: Uncertain significance (2). Last evaluated 2025-10-23.

Conditions:
Fanconi anemia (FA). Also called: Fanconi's anemia. Identifiers: Orphanet 84, MedGen C0015625, MeSH D005199, MONDO:0019391.
FANCG-related disorder. Also called: FANCG-related condition.

Allele frequency attached by ClinVar (database versions not stated): gnomAD exomes below 0.00001.
gnomAD v4.1: 1 of 1,614,120 alleles (0.000062%); highest among the groups gnomAD compares: Admixed American, 0.0017%; no homozygotes.

Submissions (2):

PreventionGenetics, part of Exact Sciences
Classification: Uncertain significance for FANCG-related condition. Last evaluated: 2025-10-23. Review status: criteria provided, single submitter. Criteria: ACMG Guidelines, 2015. Collection method: clinical testing. Allele origin: germline.
Comment: The FANCG c.1045A>T variant is predicted to result in the amino acid substitution p.Ile349Leu. To our knowledge, this variant has not been reported in the literature. This variant is reported in 0.0029% of alleles in individuals of Latino descent in gnomAD and is classified as uncertain in ClinVar (Variation ID: 2978663). At this time, the clinical significance of this variant is uncertain due to the absence of conclusive functional and genetic evidence.

Labcorp Genetics (formerly Invitae), Labcorp
Classification: Uncertain significance for Fanconi anemia. Last evaluated: 2025-07-31. Review status: criteria provided, single submitter. Criteria: Invitae Variant Classification Sherloc (09022015). Collection method: clinical testing. Allele origin: germline.
Comment: This sequence change replaces isoleucine, which is neutral and non-polar, with leucine, which is neutral and non-polar, at codon 349 of the FANCG protein (p.Ile349Leu). This variant is present in population databases (no rsID available, gnomAD 0.003%). This variant has not been reported in the literature in individuals affected with FANCG-related conditions. ClinVar contains an entry for this variant (Variation ID: 2978663). Invitae Evidence Modeling of protein sequence and biophysical properties (such as structural, functional, and spatial information, amino acid conservation, physicochemical variation, residue mobility, and thermodynamic stability) indicates that this missense variant is not expected to disrupt FANCG protein function with a negative predictive value of 80%. In summary, the available evidence is currently insufficient to determine the role of this variant in disease. Therefore, it has been classified as a Variant of Uncertain Significance.

NM_004629.2(FANCG):c.1045A>T (p.Ile349Leu)

Gene: FANCG (FA complementation group G; minus strand). Cytogenetic location: 9p13.3.
Variant type: single nucleotide variant.
Coding change: c.1045A>T on transcript NM_004629.2 (MANE Select); coding-DNA position 1045, A replaced by T.
Protein change: p.Ile349Leu; replaces isoleucine 349 with leucine.
Molecular consequence: missense variant.
Genome position (GRCh38, 1-based): chr9:35,076,463, T>A on the plus strand (A>T on the coding strand, the complement: FANCG is on the minus strand). VCF-style: chr9-35076463-T-A. GRCh37 (hg19) VCF-style: chr9-35076460-T-A.
Other names: short protein forms I349L.
Identifiers: ClinVar variation 2978663 (VCV002978663.4), dbSNP rs1226021176, ClinGen allele CA373310680.
Genomic context (GRCh38, chr9:35,076,463, plus strand): 5'-GAAGCTCAGGTGAGCAAGGGGAACCTCACCTCCCCGTCTGTAGGCACCTGCTTGCTAGTA[T>A]GTGCTTGGTCTGGCTCTGAGTGCCACAATGAAGGGGTGAGGCTAGGTCAGGTGGTGGCAG-3'
Protein context (NP_004620.1, residues 339-359): HCGTQSQTKH[Ile349Leu]LASRCLQTGR